The following is an entry in ClinVar:

NM_001256071.3(RNF213):c.1208GAG[2] (p.Gly405del)

Gene: RNF213 (ring finger protein 213; plus strand). Cytogenetic location: 17q25.3.
Variant type: Microsatellite.
Coding change: c.1208GAG[2] on transcript NM_001256071.3 (MANE Select); two copies in a row of the 3-base unit GAG starting at c.1208; the reference has three copies in a row; one copy, 3 bases deleted; also written c.1214_1216del.
Protein change: p.Gly405del; deletes glycine 405.
Molecular consequence: inframe deletion.
Genome position (GRCh38, 1-based): chr17:80,290,671-80,290,673, GAG deleted; deleting any 3 consecutive bases within chr17:80,290,665-80,290,673 gives the same sequence; the position shown is the placement nearest the transcript's 3' end. VCF-style (leftmost placement, unchanged base first): chr17-80290664-AGAG-A. GRCh37 (hg19) VCF-style: chr17-78264463-AGAG-A.
Other names: p.Gly405del; c.1208GAG[2], p.Gly405del (NM_020954.4); c.1214_1216delGAG (NM_001256071.2); c.1214_1216del (NM_001256071.3); short protein forms G405del.
Identifiers: ClinVar variation 717067 (VCV000717067.38), dbSNP rs368221664, ClinGen allele CA8819494.
Genomic context (GRCh38, chr17:80,290,664, plus strand): 5'-TTCCACGCCATCATCTCTCTTCATTTCCCATTCAATCCTGACCTCCATAAAGTCTTCATC[AGAG>A]GAGGAGAAGAATTTGGGGAGTCAAAATGGGACAGCAATATCTGTGAGCTGCACTACACCA-3'

ClinVar aggregate classification (germline): Conflicting classifications of pathogenicity. Review status: criteria provided, conflicting classifications (1 of 4 stars). 6 submissions from 6 submitters: Uncertain significance (1); Benign (1); Likely benign (3). 1 of the submissions does not count toward it. Last evaluated 2026-05-01.

Conditions:
RNF213-related disorder. Also called: RNF213-related condition.

Submissions (6):

CeGaT Center for Human Genetics Tuebingen
Classification: Benign. Last evaluated: 2026-05-01. Review status: criteria provided, single submitter. Criteria: CeGaT Center For Human Genetics Tuebingen Variant Classification Criteria Version 2. Collection method: clinical testing. Allele origin: germline. Affected: yes. Observed: 3 variant alleles.
Comment: RNF213: BS1, BS2

Labcorp Genetics (formerly Invitae), Labcorp
Classification: Likely benign. Last evaluated: 2025-12-09. Review status: criteria provided, single submitter. Criteria: Invitae Variant Classification Sherloc (09022015). Collection method: clinical testing. Allele origin: germline.

Mayo Clinic Laboratories, Mayo Clinic
Classification: Likely benign. Last evaluated: 2025-11-13. Review status: criteria provided, single submitter. Criteria: ACMG Guidelines, 2015. Collection method: clinical testing. Allele origin: germline. Observed: 4 variant alleles.
Comment: BS1_supporting, BS2

Blueprint Genetics
Classification: Likely benign. Last evaluated: 2024-11-25. Review status: criteria provided, single submitter. Criteria: ACMG Guidelines, 2015. Collection method: clinical testing. Allele origin: germline.

GeneDx
Classification: Uncertain significance. Last evaluated: 2024-04-17. Review status: criteria provided, single submitter. Criteria: GeneDx Variant Classification Process June 2021. Collection method: clinical testing. Allele origin: germline. Affected: yes.
Comment: Identified in a patient with intracranial aneurysm in published literature and reported as c.1208_1210del/p.403_404del due to alternate nomenclature (PMID: 27745834); In-frame deletion of 1 amino acid in a non-repeat region; In silico analysis supports a deleterious effect on protein structure/function; This variant is associated with the following publications: (PMID: 30671466, 27745834, 37012328)

PreventionGenetics, part of Exact Sciences
Classification: Likely benign for RNF213-related condition. Last evaluated: 2023-12-07. Review status: no assertion criteria provided. Collection method: clinical testing. Allele origin: germline. Not counted in ClinVar's aggregate classification.
Comment: This variant is classified as likely benign based on ACMG/AMP sequence variant interpretation guidelines (Richards et al. 2015 PMID: 25741868, with internal and published modifications).

Literature cited by the submitters: PubMed 27745834 (cited by Mayo Clinic Laboratories, Mayo Clinic).